The following is an entry in ClinVar:

ClinVar aggregate classification (germline): Likely benign (0 of 4 stars; one submission).

Conditions:
ASMT-related disorder. Also called: ASMT-related condition.

Allele frequency attached by ClinVar (database versions not stated): 1000 Genomes Project 30x 0.00021; gnomAD 0.00029; ESP Exome Variant Server 0.00031; TOPMed 0.00032; 1000 Genomes Project 0.00053.
gnomAD v4.1: 241 of 1,613,262 alleles (0.015%); highest among the groups gnomAD compares: African/African-American, 0.093%; no homozygotes.

Submission:

PreventionGenetics, part of Exact Sciences
Classification: Likely benign for ASMT-related condition. Last evaluated: 2021-03-30. Review status: no assertion criteria provided. Collection method: clinical testing. Allele origin: germline.
Comment: This variant is classified as likely benign based on ACMG/AMP sequence variant interpretation guidelines (Richards et al. 2015 PMID: 25741868, with internal and published modifications).

NM_001171038.2(ASMT):c.366C>T (p.Asp122=)

Gene: ASMT (acetylserotonin O-methyltransferase; plus strand). Cytogenetic location: Xp22.33.
Variant type: single nucleotide variant.
Coding change: c.366C>T on transcript NM_001171038.2 (MANE Select); coding-DNA position 366, C replaced by T.
Protein change: p.Asp122=; no amino-acid change (aspartic acid 122 retained).
Molecular consequence: synonymous variant.
Genome position (GRCh38, 1-based): chrX:1,624,390, C>T. VCF-style: chrX-1624390-C-T. GRCh37 (hg19) VCF-style: chrX-1743283-C-T.
Other names: NM_004043.2:c.366C>T; c.366C>T, p.Asp122= (NM_001171039.1, NM_001416525.1).
Identifiers: ClinVar variation 3029851 (VCV003029851.2), dbSNP rs151095769, ClinGen allele CA10334779.